The following is an entry in ClinVar:

NC_000009.11:g.(?_131284937)_(131296240_?)del

Gene: GLE1 (GLE1 RNA export mediator; plus strand). Cytogenetic location: 9q34.11.
Variant type: Deletion.
Identifiers: ClinVar variation 1354032 (VCV001354032.4).

ClinVar aggregate classification (germline): Pathogenic (1 of 4 stars; one submission).

Submission:

Labcorp Genetics (formerly Invitae), Labcorp
Classification: Pathogenic. Last evaluated: 2021-10-05. Review status: criteria provided, single submitter. Criteria: Invitae Variant Classification Sherloc (09022015). Collection method: clinical testing. Allele origin: germline.
Comment: For these reasons, this variant has been classified as Pathogenic. This variant has not been reported in the literature in individuals affected with GLE1-related conditions. This variant is a gross deletion of the genomic region encompassing exon(s) 4-11 of the GLE1 gene. This deletion is out-of-frame, and is expected to create a premature termination codon and result in an absent or disrupted protein product. Loss-of-function variants in GLE1 are known to be pathogenic (PMID: 18204449, 24243016, 27684565).

Literature cited by the submitters: PubMed 18204449; PubMed 24243016; PubMed 27684565.